The following is an entry in ClinVar:

NM_015330.6(SPECC1L):c.620G>A (p.Arg207Gln)

Genes: SPECC1L-ADORA2A (SPECC1L-ADORA2A readthrough (NMD candidate); plus strand), SPECC1L (sperm antigen with calponin homology and coiled-coil domains 1 like; plus strand). Cytogenetic location: 22q11.23.
Variant type: single nucleotide variant.
Coding change: c.620G>A on transcript NM_015330.6 (MANE Select); coding-DNA position 620, G replaced by A.
Protein change: p.Arg207Gln; replaces arginine 207 with glutamine.
Molecular consequence: missense variant. On other transcripts: non-coding transcript variant (1).
Genome position (GRCh38, 1-based): chr22:24,321,600, G>A. VCF-style: chr22-24321600-G-A. GRCh37 (hg19) VCF-style: chr22-24717568-G-A.
Other names: c.620G>A, p.Arg207Gln (NM_001145468.4, NM_001254732.3); short protein forms R207Q.
Identifiers: ClinVar variation 3617982 (VCV003617982.2).

ClinVar aggregate classification (germline): Uncertain significance (1 of 4 stars; one submission).

gnomAD v4.1: 4 of 1,614,176 alleles (0.00025%); highest among the groups gnomAD compares: South Asian, 0.0011%; no homozygotes.

Submission:

Labcorp Genetics (formerly Invitae), Labcorp
Classification: Uncertain significance. Last evaluated: 2025-01-23. Review status: criteria provided, single submitter. Criteria: Invitae Variant Classification Sherloc (09022015). Collection method: clinical testing. Allele origin: germline.
Comment: This sequence change replaces arginine, which is basic and polar, with glutamine, which is neutral and polar, at codon 207 of the SPECC1L protein (p.Arg207Gln). This variant is not present in population databases (gnomAD no frequency). This variant has not been reported in the literature in individuals affected with SPECC1L-related conditions. Invitae Evidence Modeling of protein sequence and biophysical properties (such as structural, functional, and spatial information, amino acid conservation, physicochemical variation, residue mobility, and thermodynamic stability) indicates that this missense variant is not expected to disrupt SPECC1L protein function with a negative predictive value of 80%. In summary, the available evidence is currently insufficient to determine the role of this variant in disease. Therefore, it has been classified as a Variant of Uncertain Significance.